The following is an entry in ClinVar:

ClinVar aggregate classification (germline): Uncertain significance (1 of 4 stars; one submission).

Conditions:
CREBBP-related disorder. Also called: CREBBP-related condition; CREBBP-related disorders.

Submission:

PreventionGenetics, part of Exact Sciences
Classification: Uncertain significance for CREBBP-related condition. Last evaluated: 2026-06-27. Review status: criteria provided, single submitter. Criteria: ACMG Guidelines, 2015. Collection method: clinical testing. Allele origin: germline.
Comment: The CREBBP c.2046_2054dup9 variant is predicted to result in an in-frame duplication (p.Leu685_Ala687dup). To our knowledge, this variant has not been reported in the literature or in a large population database (gnomAD), indicating this variant is rare. At this time, the clinical significance of this variant is uncertain due to the absence of conclusive functional and genetic evidence.

NM_004380.3(CREBBP):c.2046_2054dup (p.Ala687_Pro688insLeuProAla)

Gene: CREBBP (CREB binding lysine acetyltransferase; minus strand). Cytogenetic location: 16p13.3.
Variant type: Duplication.
Coding change: c.2046_2054dup on transcript NM_004380.3 (MANE Select); coding-DNA positions 2046 to 2054, 9 bases duplicated (GCCAGCCTT; older notation c.2046_2054dupGCCAGCCTT).
Protein change: p.Ala687_Pro688insLeuProAla.
Molecular consequence: inframe insertion.
Genome position (GRCh38, 1-based): chr16:3,778,070-3,778,078, AAGGCTGGC duplicated on the plus strand (GCCAGCCTT on the coding strand, the reverse complement: CREBBP is on the minus strand). VCF-style (leftmost placement, unchanged base first): chr16-3778069-T-TAAGGCTGGC. GRCh37 (hg19) VCF-style: chr16-3828070-T-TAAGGCTGGC.
Other names: c.1932_1940dup, p.Ala649_Pro650insLeuProAla (NM_001079846.1).
Identifiers: ClinVar variation 4993005 (VCV004993005.1).
Genomic context (GRCh38, chr16:3,778,069, plus strand): 5'-ACTTGGAGGTCTCACAGGTTGTGCCTGTGGAATCACAGGGGGCTGAGCCCCCGGGGCTGG[T>TAAGGCTGGC]AAGGCTGGCTGGTTCCCCAAGATGCCTTGTTTATGTAAACGCGACCTCCGTTTTTCTTCT-3'